The following is an entry in ClinVar:

ClinVar aggregate classification (germline): Uncertain significance. Review status: criteria provided, multiple submitters, no conflicts (2 of 4 stars). 3 submissions from 3 submitters: Uncertain significance (3). Last evaluated 2026-06-04.

Conditions:
Familial thoracic aortic aneurysm and aortic dissection (TAAD). Also called: Thoracic aortic aneurysms and dissections. Identifiers: Orphanet 91387, MedGen C4707243, MONDO:0019625.
Adams-Oliver syndrome 5 (AOS5). Identifiers: Orphanet 974, MedGen C4014970, MONDO:0014459, OMIM 616028.

gnomAD v4.1: 1 of 1,612,738 alleles (0.000062%); highest among the groups gnomAD compares: Non-Finnish European, 0.000085%; no homozygotes.

Submissions (3):

Greenwood Genetic Center Diagnostic Laboratories, Greenwood Genetic Center
Classification: Uncertain significance. Last evaluated: 2026-06-04. Review status: criteria provided, single submitter. Criteria: ACMG Guidelines, 2015. Collection method: clinical testing. Allele origin: germline.
Comment: PM2, PP2

Ambry Genetics
Classification: Uncertain significance for Familial thoracic aortic aneurysm and aortic dissection. Last evaluated: 2024-05-30. Review status: criteria provided, single submitter. Criteria: Ambry Variant Classification Scheme 2023. Collection method: clinical testing. Allele origin: germline.

Labcorp Genetics (formerly Invitae), Labcorp
Classification: Uncertain significance for Adams-Oliver syndrome 5. Last evaluated: 2023-07-13. Review status: criteria provided, single submitter. Criteria: Invitae Variant Classification Sherloc (09022015). Collection method: clinical testing. Allele origin: germline.
Comment: In summary, the available evidence is currently insufficient to determine the role of this variant in disease. Therefore, it has been classified as a Variant of Uncertain Significance. Advanced modeling of protein sequence and biophysical properties (such as structural, functional, and spatial information, amino acid conservation, physicochemical variation, residue mobility, and thermodynamic stability) performed at Invitae indicates that this missense variant is not expected to disrupt NOTCH1 protein function. This variant has not been reported in the literature in individuals affected with NOTCH1-related conditions. This variant is not present in population databases (gnomAD no frequency). This sequence change replaces asparagine, which is neutral and polar, with lysine, which is basic and polar, at codon 793 of the NOTCH1 protein (p.Asn793Lys).

NM_017617.5(NOTCH1):c.2379C>G (p.Asn793Lys)

Gene: NOTCH1 (notch receptor 1; minus strand). Cytogenetic location: 9q34.3.
Variant type: single nucleotide variant.
Coding change: c.2379C>G on transcript NM_017617.5 (MANE Select); coding-DNA position 2379, C replaced by G.
Protein change: p.Asn793Lys; replaces asparagine 793 with lysine.
Molecular consequence: missense variant.
Genome position (GRCh38, 1-based): chr9:136,513,109, G>C on the plus strand (C>G on the coding strand, the complement: NOTCH1 is on the minus strand). VCF-style: chr9-136513109-G-C. GRCh37 (hg19) VCF-style: chr9-139407561-G-C.
Other names: c.2379C>G (NM_017617.3); short protein forms N793K.
Identifiers: ClinVar variation 2831606 (VCV002831606.5), dbSNP rs200565505, ClinGen allele CA375556708.